The following is an entry in ClinVar:

NM_004612.4(TGFBR1):c.1011G>T (p.Lys337Asn)

Gene: TGFBR1 (transforming growth factor beta receptor 1; plus strand). Cytogenetic location: 9q22.33.
Variant type: single nucleotide variant.
Coding change: c.1011G>T on transcript NM_004612.4 (MANE Select); coding-DNA position 1011, G replaced by T.
Protein change: p.Lys337Asn; replaces lysine 337 with asparagine.
Molecular consequence: missense variant. On other transcripts: non-coding transcript variant (4).
Genome position (GRCh38, 1-based): chr9:99,144,769, G>T. VCF-style: chr9-99144769-G-T. GRCh37 (hg19) VCF-style: chr9-101907051-G-T.
Other names: c.780G>T, p.Lys260Asn (NM_001130916.3, NM_001407435.1); c.1023G>T, p.Lys341Asn (NM_001306210.2); c.855G>T, p.Lys285Asn (NM_001407416.1); c.843G>T, p.Lys281Asn (NM_001407417.1); c.816G>T, p.Lys272Asn (NM_001407418.1, NM_001407419.1, NM_001407420.1 and 1 more transcripts); c.804G>T, p.Lys268Asn (NM_001407423.1, NM_001407424.1, NM_001407425.1 and 8 more transcripts); c.765G>T, p.Lys255Asn (NM_001407436.1); c.303G>T, p.Lys101Asn (NM_001407437.1); and 1 more; short protein forms K101N, K178N, K255N, K260N, K268N, K272N, K281N, K285N.
Identifiers: ClinVar variation 3386047 (VCV003386047.1).

ClinVar aggregate classification (germline): Uncertain significance (1 of 4 stars; one submission).

Conditions:
Loeys-Dietz syndrome (LDS). Identifiers: Orphanet 60030, MedGen C2697932, MONDO:0018954.

Submission:

All of Us Research Program, National Institutes of Health
Classification: Uncertain significance for Loeys-Dietz syndrome. Last evaluated: 2024-05-17. Review status: criteria provided, single submitter. Criteria: ACMG Guidelines, 2015. Collection method: clinical testing. Allele origin: germline. Inheritance: Autosomal dominant inheritance. Observed: 1 variant allele, 1 heterozygote.
Comment: This study involves interpretation of variants in research participants for the purpose of population health screening. Participant phenotype was not available at the time of variant classification. Additional details can be found in publication PMID: 35346344, PMCID: PMC8962531